The following is an entry in ClinVar:

NM_000132.4(F8):c.6299T>C (p.Ile2100Thr)

Gene: F8 (coagulation factor VIII; minus strand). Cytogenetic location: Xq28.
Variant type: single nucleotide variant.
Coding change: c.6299T>C on transcript NM_000132.4 (MANE Select); coding-DNA position 6299, T replaced by C.
Protein change: p.Ile2100Thr; replaces isoleucine 2100 with threonine.
Molecular consequence: missense variant.
Genome position (GRCh38, 1-based): chrX:154,896,207, A>G on the plus strand (T>C on the coding strand, the complement: F8 is on the minus strand). VCF-style: chrX-154896207-A-G. GRCh37 (hg19) VCF-style: chrX-154124482-A-G.
Other names: short protein forms I2100T.
Identifiers: ClinVar variation 1878999 (VCV001878999.1), dbSNP rs2523876917, ClinGen allele CA414900240.

ClinVar aggregate classification (germline): Uncertain significance (1 of 4 stars; one submission).

Submission:

GeneDx
Classification: Uncertain significance. Last evaluated: 2022-07-07. Review status: criteria provided, single submitter. Criteria: GeneDx Variant Classification Process June 2021. Collection method: clinical testing. Allele origin: germline. Affected: yes.
Comment: Not observed at significant frequency in large population cohorts (gnomAD); In silico analysis supports that this missense variant has a deleterious effect on protein structure/function; Has not been previously published as pathogenic or benign to our knowledge